The following is an entry in ClinVar:

NM_002103.5(GYS1):c.2165del (p.Pro722fs)

Gene: GYS1 (glycogen synthase 1; minus strand). Cytogenetic location: 19q13.33.
Variant type: Deletion.
Coding change: c.2165del on transcript NM_002103.5 (MANE Select); coding-DNA position 2165, one base deleted (C; older notation c.2165delC).
Protein change: p.Pro722fs; shifts the reading frame from proline 722.
Molecular consequence: frameshift variant. On other transcripts: non-coding transcript variant (1).
Genome position (GRCh38, 1-based): chr19:48,969,337, G deleted on the plus strand (C on the coding strand, the reverse complement: GYS1 is on the minus strand); the first of 4 consecutive G bases (chr19:48,969,337-48,969,340); deleting any one gives the same sequence. VCF-style (leftmost placement, unchanged base first): chr19-48969336-CG-C. GRCh37 (hg19) VCF-style: chr19-49472593-CG-C.
Other names: c.2165del (NM_002103.4); c.1973del, p.Pro658fs (NM_001161587.2); short protein forms P658fs, P722fs.
Identifiers: ClinVar variation 1492332 (VCV001492332.5), dbSNP rs757063983, ClinGen allele CA9562696.
Genomic context (GRCh38, chr19:48,969,336, plus strand): 5'-GGTGGGGCGGACTTAGTTACGCTCCTCGCCCAGGGAGCTGGTGGGGCTGAGGGGCTCGCT[CG>C]GGGTGCTGAGTGAGCTGGAGGTGGCCGTGTCCACAGAGTTGCGCTTGCTGCCGCTGGTGG-3'

ClinVar aggregate classification (germline): Uncertain significance. Review status: criteria provided, multiple submitters, no conflicts (2 of 4 stars). 2 submissions from 2 submitters: Uncertain significance (2). Last evaluated 2023-12-28.

Conditions:
Glycogen storage disease due to muscle and heart glycogen synthase deficiency. Also called: MUSCLE GLYCOGEN SYNTHASE DEFICIENCY; GSD 0b. Identifiers: Orphanet 137625, MedGen C1969054, MONDO:0012693, OMIM 611556.

Submissions (2):

GeneDx
Classification: Uncertain significance. Last evaluated: 2023-12-28. Review status: criteria provided, single submitter. Criteria: GeneDx Variant Classification Process June 2021. Collection method: clinical testing. Allele origin: germline. Affected: yes.
Comment: Not observed at significant frequency in large population cohorts (gnomAD); Frameshift variant predicted to result in abnormal protein length as the last 16 amino acids are replaced with 119 different amino acids; Has not been previously published as pathogenic or benign to our knowledge

Labcorp Genetics (formerly Invitae), Labcorp
Classification: Uncertain significance for Glycogen storage disease due to muscle and heart glycogen synthase deficiency. Last evaluated: 2022-08-16. Review status: criteria provided, single submitter. Criteria: Invitae Variant Classification Sherloc (09022015). Collection method: clinical testing. Allele origin: germline.
Comment: This sequence change results in a frameshift in the GYS1 gene (p.Pro722Argfs*120). While this is not anticipated to result in nonsense mediated decay, it is expected to disrupt the last 16 amino acid(s) of the GYS1 protein and extend the protein by 103 additional amino acid residues. The frequency data for this variant in the population databases is considered unreliable, as metrics indicate poor data quality at this position in the gnomAD database. This variant has not been reported in the literature in individuals affected with GYS1-related conditions. ClinVar contains an entry for this variant (Variation ID: 1492332). Experimental studies and prediction algorithms are not available or were not evaluated, and the functional significance of this variant is currently unknown. In summary, the available evidence is currently insufficient to determine the role of this variant in disease. Therefore, it has been classified as a Variant of Uncertain Significance.